The following is an entry in ClinVar:

NM_001414.4(EIF2B1):c.171T>A (p.Cys57Ter)

Gene: EIF2B1 (eukaryotic translation initiation factor 2B subunit alpha; minus strand). Cytogenetic location: 12q24.31.
Variant type: single nucleotide variant.
Coding change: c.171T>A on transcript NM_001414.4 (MANE Select); coding-DNA position 171, T replaced by A.
Protein change: p.Cys57Ter; replaces cysteine 57 with a stop codon.
Molecular consequence: nonsense.
Genome position (GRCh38, 1-based): chr12:123,630,478, A>T on the plus strand (T>A on the coding strand, the complement: EIF2B1 is on the minus strand). VCF-style: chr12-123630478-A-T. GRCh37 (hg19) VCF-style: chr12-124115025-A-T.
Other names: short protein forms C57*.
Identifiers: ClinVar variation 3639835 (VCV003639835.2).

ClinVar aggregate classification (germline): Pathogenic (1 of 4 stars; one submission).

Submission:

Labcorp Genetics (formerly Invitae), Labcorp
Classification: Pathogenic. Last evaluated: 2024-02-09. Review status: criteria provided, single submitter. Criteria: Invitae Variant Classification Sherloc (09022015). Collection method: clinical testing. Allele origin: germline.
Comment: This sequence change creates a premature translational stop signal (p.Cys57*) in the EIF2B1 gene. It is expected to result in an absent or disrupted protein product. Loss-of-function variants in EIF2B1 are known to be pathogenic (PMID: 11835386, 32865661). This variant is not present in population databases (gnomAD no frequency). This variant has not been reported in the literature in individuals affected with EIF2B1-related conditions. For these reasons, this variant has been classified as Pathogenic.

Literature cited by the submitters: PubMed 11835386; PubMed 32865661.